The following is an entry in ClinVar:

ClinVar aggregate classification (germline): Uncertain significance (1 of 4 stars; one submission).

Submission:

Laboratory for Molecular Medicine, Mass General Brigham Personalized Medicine
Classification: Uncertain significance. Last evaluated: 2011-07-26. Review status: criteria provided, single submitter. Criteria: LMM Criteria. Collection method: clinical testing. Allele origin: germline. Observed: 1 variant allele.
Comment: Variant classified as Uncertain Significance - Favor Pathogenic. The Lys363Glu v ariant in EDA has not been reported in the literature nor previously identified by our laboratory. However, this residue is conserved across mammals and computa tional analyses (PolyPhen2, SIFT, AlignGVGD) suggest that the Lys363Glu variant may impact the protein. However, this information is not predictive enough to as sume pathogenicity. In summary, the clinical significance of this variant cannot be determined with certainty at this time.

NM_001399.5(EDA):c.1087A>G (p.Lys363Glu)

Gene: EDA (ectodysplasin A; plus strand). Cytogenetic location: Xq13.1.
Variant type: single nucleotide variant.
Coding change: c.1087A>G on transcript NM_001399.5 (MANE Select); coding-DNA position 1087, A replaced by G.
Protein change: p.Lys363Glu; replaces lysine 363 with glutamic acid.
Molecular consequence: missense variant.
Genome position (GRCh38, 1-based): chrX:70,035,520, A>G. VCF-style: chrX-70035520-A-G. GRCh37 (hg19) VCF-style: chrX-69255370-A-G.
Other names: c.1081A>G, p.Lys361Glu (NM_001005609.2); c.1072A>G, p.Lys358Glu (NM_001005612.3); short protein forms K363E, K358E, K361E.
Identifiers: ClinVar variation 44184 (VCV000044184.4), dbSNP rs397516653, ClinGen allele CA133739.
Genomic context (GRCh38, chrX:70,035,520, plus strand): 5'-TACAACACTTGCTATACCGCAGGCGTCTGCCTCCTCAAGGCCCGGCAGAAGATCGCCGTC[A>G]AGATGGTGCACGCTGACATCTCCATCAACATGAGCAAGCACACCACGTTCTTTGGGGCCA-3'
Protein context (NP_001390.1, residues 353-373): LLKARQKIAV[Lys363Glu]MVHADISINM